The following is an entry in ClinVar:

NM_014908.4(DOLK):c.1067G>A (p.Arg356Gln)

Gene: DOLK (dolichol kinase; minus strand). Cytogenetic location: 9q34.11.
Variant type: single nucleotide variant.
Coding change: c.1067G>A on transcript NM_014908.4 (MANE Select); coding-DNA position 1067, G replaced by A.
Protein change: p.Arg356Gln; replaces arginine 356 with glutamine.
Molecular consequence: missense variant.
Genome position (GRCh38, 1-based): chr9:128,946,237, C>T on the plus strand (G>A on the coding strand, the complement: DOLK is on the minus strand). VCF-style: chr9-128946237-C-T. GRCh37 (hg19) VCF-style: chr9-131708516-C-T.
Other names: short protein forms R356Q.
Identifiers: ClinVar variation 464195 (VCV000464195.14), dbSNP rs199535796, ClinGen allele CA5271640.

ClinVar aggregate classification (germline): Uncertain significance. Review status: criteria provided, multiple submitters, no conflicts (2 of 4 stars). 4 submissions from 4 submitters: Uncertain significance (4). Last evaluated 2025-12-21.

Conditions:
DK1-congenital disorder of glycosylation. Also called: CONGENITAL DISORDER OF GLYCOSYLATION, TYPE Im; CDG Im; DOLK-congenital disorder of glycosylation; Carbohydrate deficient glycoprotein syndrome type 1m; DK1 DEFICIENCY; DOLICHOL KINASE DEFICIENCY. Identifiers: Orphanet 91131, MedGen C1835849, MONDO:0012556, OMIM 610768.
Cardiovascular phenotype. Identifiers: MedGen CN230736.

Allele frequency attached by ClinVar (database versions not stated): gnomAD exomes 0.00001 and 0.00002; TOPMed 0.00008; gnomAD 0.00005; ESP Exome Variant Server 0.00015.
gnomAD v4.1: 16 of 1,613,936 alleles (0.00099%); highest among the groups gnomAD compares: African/African-American, 0.012%; no homozygotes.

Submissions (4):

Ambry Genetics
Classification: Uncertain significance for Cardiovascular phenotype. Last evaluated: 2025-12-21. Review status: criteria provided, single submitter. Criteria: Ambry Variant Classification Scheme 2023. Collection method: clinical testing. Allele origin: germline.
Comment: The p.R356Q variant (also known as c.1067G>A), located in coding exon 1 of the DOLK gene, results from a G to A substitution at nucleotide position 1067. The arginine at codon 356 is replaced by glutamine, an amino acid with highly similar properties. This amino acid position is highly conserved in available vertebrate species. In addition, the in silico prediction for this alteration is inconclusive. Since supporting evidence is limited at this time, the clinical significance of this alteration remains unclear.

Labcorp Genetics (formerly Invitae), Labcorp
Classification: Uncertain significance for DK1-congenital disorder of glycosylation. Last evaluated: 2024-12-02. Review status: criteria provided, single submitter. Criteria: Invitae Variant Classification Sherloc (09022015). Collection method: clinical testing. Allele origin: germline.
Comment: This sequence change replaces arginine, which is basic and polar, with glutamine, which is neutral and polar, at codon 356 of the DOLK protein (p.Arg356Gln). This variant is present in population databases (rs199535796, gnomAD 0.01%). This variant has not been reported in the literature in individuals affected with DOLK-related conditions. ClinVar contains an entry for this variant (Variation ID: 464195). Invitae Evidence Modeling of protein sequence and biophysical properties (such as structural, functional, and spatial information, amino acid conservation, physicochemical variation, residue mobility, and thermodynamic stability) indicates that this missense variant is not expected to disrupt DOLK protein function with a negative predictive value of 80%. In summary, the available evidence is currently insufficient to determine the role of this variant in disease. Therefore, it has been classified as a Variant of Uncertain Significance.

Clinical Genomics Laboratory, Stanford Medicine
Classification: Uncertain significance for DK1-congenital disorder of glycosylation. Last evaluated: 2022-11-23. Review status: criteria provided, single submitter. Criteria: ACMG Guidelines, 2015. Collection method: clinical testing. Allele origin: germline. Observed: 1 variant allele, 1 heterozygote.
Comment: The p.Arg356Gln variant in the DOLK gene has not been previously reported in association with disease.This variant has been identified in 3/24958 African American chromosomes (6/282732 chromosomes overall) by the Genome Aggregation Database. This variant is present in ClinVar (Variation ID: 464195). Computational tools predict that this variant is neither deleterious nor benign; however, the accuracy of in silico algorithms is limited. These data were assessed using the ACMG/AMP variant interpretation guidelines. In summary, the significance of the p.Arg356Gln variant is uncertain. Additional information is needed to resolve the significance of this variant. [ACMG evidence codes used: PM2]

GeneDx
Classification: Uncertain significance. Last evaluated: 2019-06-12. Review status: criteria provided, single submitter. Criteria: GeneDx Variant Classification Process June 2021. Collection method: clinical testing. Allele origin: germline. Affected: yes.